The following is an entry in ClinVar:

NM_006941.4(SOX10):c.428+10C>G

Genes: POLR2F (RNA polymerase II, I and III subunit F; plus strand), SOX10 (SRY-box transcription factor 10; minus strand). Cytogenetic location: 22q13.1.
Variant type: single nucleotide variant.
Coding change: c.428+10C>G on transcript NM_006941.4 (MANE Select); 10 bases into the intron after coding-DNA position 428, C replaced by G.
Molecular consequence: intron variant.
Genome position (GRCh38, 1-based): chr22:37,983,347, G>C on the plus strand (C>G on the coding strand, the complement: SOX10 is on the minus strand). VCF-style: chr22-37983347-G-C. GRCh37 (hg19) VCF-style: chr22-38379354-G-C.
Other names: c.*38+11037G>C (NM_001363825.1); c.294-2807G>C (NM_001301130.2); c.293+16177G>C (NM_001301131.2).
Identifiers: ClinVar variation 227080 (VCV000227080.20), dbSNP rs201638602, ClinGen allele CA10228684.
Genomic context (GRCh38, chr22:37,983,347, plus strand): 5'-GGCCGCCTCGGCTACCCTGAATCCACCCGAAGCTAGAGGGCCCGAGCCCGGGGGGCGGTC[G>C]GGTGCTCACCTCCAGAGCTTGCCCAGCGTCTTGCTGAGCTCAGCGTTGTGCAGGTGCGGG-3'

ClinVar aggregate classification (germline): Benign/Likely benign. Review status: criteria provided, multiple submitters, no conflicts (2 of 4 stars). 6 submissions from 5 submitters: Benign (4); Likely benign (2). Last evaluated 2025-11-12.

Conditions:
Waardenburg syndrome. Also called: Waardenburg's syndrome. Identifiers: Orphanet 3440, MedGen C3266898, MONDO:0018094.
PCWH syndrome. Also called: WAARDENBURG-SHAH SYNDROME, NEUROLOGIC VARIANT. Identifiers: Orphanet 163746, MedGen C1836727, MONDO:0012198, OMIM 609136.

Allele frequency attached by ClinVar (database versions not stated): TOPMed 0.00093; gnomAD exomes 0.00097 and 0.00028; 1000 Genomes Project 0.00220; 1000 Genomes Project 30x 0.00203; gnomAD 0.00038 and 0.00026; ExAC 0.00171.
gnomAD v4.1: 467 of 1,603,374 alleles (0.029%); highest among the groups gnomAD compares: East Asian, 0.94%; 2 homozygotes.

Submissions (6):

Labcorp Genetics (formerly Invitae), Labcorp
Classification: Benign. Last evaluated: 2025-11-12. Review status: criteria provided, single submitter. Criteria: Invitae Variant Classification Sherloc (09022015). Collection method: clinical testing. Allele origin: germline.

Blueprint Genetics
Classification: Likely benign. Last evaluated: 2024-11-06. Review status: criteria provided, single submitter. Criteria: ACMG Guidelines, 2015. Collection method: clinical testing. Allele origin: germline.

GeneDx
Classification: Likely benign. Last evaluated: 2018-02-27. Review status: criteria provided, single submitter. Criteria: GeneDx Variant Classification (06012015). Collection method: clinical testing. Allele origin: germline. Affected: yes.
Comment: This variant is considered likely benign or benign based on one or more of the following criteria: it is a conservative change, it occurs at a poorly conserved position in the protein, it is predicted to be benign by multiple in silico algorithms, and/or has population frequency not consistent with disease.

Illumina Laboratory Services, Illumina
Classification: Benign for PCWH syndrome. Last evaluated: 2018-01-12. Review status: criteria provided, single submitter. Criteria: ICSL Variant Classification Criteria 13 December 2019. Collection method: clinical testing. Allele origin: germline.
Comment: This variant was observed in the ICSL laboratory as part of a predisposition screen in an ostensibly healthy population. It had not been previously curated by ICSL or reported in the Human Gene Mutation Database (HGMD: prior to June 1st, 2018), and was therefore a candidate for classification through an automated scoring system. Utilizing variant allele frequency, disease prevalence and penetrance estimates, and inheritance mode, an automated score was calculated to assess if this variant is too frequent to cause the disease. Based on the score and internal cut-off values, a variant classified as benign is not then subjected to further curation. The score for this variant resulted in a classification of benign for this disease.

Illumina Laboratory Services, Illumina
Classification: Benign for Waardenburg syndrome. Last evaluated: 2018-01-12. Review status: criteria provided, single submitter. Criteria: ICSL Variant Classification Criteria 13 December 2019. Collection method: clinical testing. Allele origin: germline.
Comment: the same text as in the submission from Illumina Laboratory Services, Illumina above.

Laboratory for Molecular Medicine, Mass General Brigham Personalized Medicine
Classification: Benign. Last evaluated: 2014-11-24. Review status: criteria provided, single submitter. Criteria: LMM Criteria. Collection method: clinical testing. Allele origin: germline. Observed: 2 variant alleles.
Comment: 428+10C>G in intron 2 of SOX10: This variant is not expected to have clinical si gnificance because it is not located within the conserved splice consensus seque nce. It has been identified in 3.0% (6/200) of Han Chinese chromosomes from a br oad population by the 1000 Genomes Project (/SNP; dbSNP rs201638602).